The following is an entry in ClinVar:

NM_006642.5(SDCCAG8):c.1210A>G (p.Met404Val)

Gene: SDCCAG8 (SHH signaling and ciliogenesis regulator SDCCAG8; plus strand). Cytogenetic location: 1q43.
Variant type: single nucleotide variant.
Coding change: c.1210A>G on transcript NM_006642.5 (MANE Select); coding-DNA position 1210, A replaced by G.
Protein change: p.Met404Val; replaces methionine 404 with valine.
Molecular consequence: missense variant.
Genome position (GRCh38, 1-based): chr1:243,330,681, A>G. VCF-style: chr1-243330681-A-G. GRCh37 (hg19) VCF-style: chr1-243493983-A-G.
Other names: c.307A>G, p.Met103Val (NM_001350246.2, NM_001350247.2, NM_001350251.2); c.1306A>G, p.Met436Val (NM_001350248.2); c.916A>G, p.Met306Val (NM_001350249.2); c.1210A>G (NM_006642.3); short protein forms M306V, M404V, M436V, M103V.
Identifiers: ClinVar variation 1436843 (VCV001436843.8), dbSNP rs1298150302, ClinGen allele CA345482789.
Genomic context (GRCh38, chr1:243,330,681, plus strand): 5'-GAGAAAAGGGCCATTGAGAAAGACATGATGAAAAAGGAAATAACGAAAGAAAGGGAGTAC[A>G]TGGGATCAAAGGTACTTAAGGACTCTGCTGTTATCCACATTGCAGAAGAAAGGTTTTTTA-3'
Protein context (NP_006633.1, residues 394-414): KKEITKEREY[Met404Val]GSKMLILSQN

ClinVar aggregate classification (germline): Uncertain significance. Review status: criteria provided, multiple submitters, no conflicts (2 of 4 stars). 4 submissions from 4 submitters: Uncertain significance (4). Last evaluated 2022-08-31.

Conditions:
Inborn genetic diseases. Identifiers: MedGen C0950123, MeSH D030342.
Senior-Loken syndrome 7 (SLSN7). Identifiers: Orphanet 3156, MedGen C3150877, MONDO:0013326, OMIM 613615.
Bardet-Biedl syndrome 16 (BBS16). Identifiers: Orphanet 110, MedGen C3889474, MONDO:0014444, OMIM 615993.

Allele frequency attached by ClinVar (database versions not stated): gnomAD 0.00001; gnomAD exomes 0.00001; TOPMed 0.00001.
gnomAD v4.1: 9 of 1,614,014 alleles (0.00056%); highest among the groups gnomAD compares: African/African-American, 0.004%; no homozygotes.

Submissions (4):

Ambry Genetics
Classification: Uncertain significance for Inborn genetic diseases. Last evaluated: 2022-08-31. Review status: criteria provided, single submitter. Criteria: Ambry Variant Classification Scheme 2023. Collection method: clinical testing. Allele origin: germline.

Labcorp Genetics (formerly Invitae), Labcorp
Classification: Uncertain significance for Bardet-Biedl syndrome 16; Senior-Loken syndrome 7. Last evaluated: 2022-08-27. Review status: criteria provided, single submitter. Criteria: Invitae Variant Classification Sherloc (09022015). Collection method: clinical testing. Allele origin: germline.
Comment: This sequence change replaces methionine, which is neutral and non-polar, with valine, which is neutral and non-polar, at codon 404 of the SDCCAG8 protein (p.Met404Val). This variant is present in population databases (no rsID available, gnomAD 0.01%). This variant has not been reported in the literature in individuals affected with SDCCAG8-related conditions. ClinVar contains an entry for this variant (Variation ID: 1436843). Algorithms developed to predict the effect of missense changes on protein structure and function output the following: SIFT: "Tolerated"; PolyPhen-2: "Benign"; Align-GVGD: "Class C0". The valine amino acid residue is found in multiple mammalian species, which suggests that this missense change does not adversely affect protein function. In summary, the available evidence is currently insufficient to determine the role of this variant in disease. Therefore, it has been classified as a Variant of Uncertain Significance.

Fulgent Genetics
Classification: Uncertain significance for Senior-Loken syndrome 7; Bardet-Biedl syndrome 16. Last evaluated: 2022-02-01. Review status: criteria provided, single submitter. Criteria: ACMG Guidelines, 2015. Collection method: clinical testing. Allele origin: unknown.

Blueprint Genetics
Classification: Uncertain significance. Last evaluated: 2022-01-28. Review status: criteria provided, single submitter. Criteria: ACMG Guidelines, 2015. Collection method: clinical testing. Allele origin: germline.